The following is an entry in ClinVar:

ClinVar aggregate classification (germline): Uncertain significance (1 of 4 stars; one submission).

Conditions:
KSR2-related disorder. Also called: KSR2-related condition.

gnomAD v4.1: 2 of 1,611,418 alleles (0.00012%); highest among the groups gnomAD compares: African/African-American, 0.0027%; no homozygotes.

Submission:

PreventionGenetics, part of Exact Sciences
Classification: Uncertain significance for KSR2-related condition. Last evaluated: 2026-02-20. Review status: criteria provided, single submitter. Criteria: ACMG Guidelines, 2015. Collection method: clinical testing. Allele origin: germline.
Comment: The KSR2 c.2377C>G variant is predicted to result in the amino acid substitution p.Leu793Val. To our knowledge, this variant has not been reported in the literature or in a large population database (gnomAD), indicating this variant is rare. At this time, the clinical significance of this variant is uncertain due to the absence of conclusive functional and genetic evidence.

NM_173598.6(KSR2):c.2464C>G (p.Leu822Val)

Gene: KSR2 (kinase suppressor of ras 2; minus strand). Cytogenetic location: 12q24.22.
Variant type: single nucleotide variant.
Coding change: c.2464C>G on transcript NM_173598.6 (MANE Select); coding-DNA position 2464, C replaced by G.
Protein change: p.Leu822Val; replaces leucine 822 with valine.
Molecular consequence: missense variant.
Genome position (GRCh38, 1-based): chr12:117,476,582, G>C on the plus strand (C>G on the coding strand, the complement: KSR2 is on the minus strand). VCF-style: chr12-117476582-G-C. GRCh37 (hg19) VCF-style: chr12-117914387-G-C.
Other names: short protein forms L822V.
Identifiers: ClinVar variation 4991986 (VCV004991986.1).